The following is an entry in ClinVar:

ClinVar aggregate classification (germline): Uncertain significance (1 of 4 stars; one submission).

gnomAD v4.1: 9 of 1,612,560 alleles (0.00056%); highest among the groups gnomAD compares: Admixed American, 0.015%; no homozygotes.

Submission:

Labcorp Genetics (formerly Invitae), Labcorp
Classification: Uncertain significance. Last evaluated: 2024-12-26. Review status: criteria provided, single submitter. Criteria: Invitae Variant Classification Sherloc (09022015). Collection method: clinical testing. Allele origin: germline.
Comment: This sequence change replaces threonine, which is neutral and polar, with alanine, which is neutral and non-polar, at codon 107 of the ARHGEF10 protein (p.Thr107Ala). This variant is present in population databases (rs200428087, gnomAD 0.003%). This variant has not been reported in the literature in individuals affected with ARHGEF10-related conditions. An algorithm developed to predict the effect of missense changes on protein structure and function outputs the following: PolyPhen-2: "Benign". The alanine amino acid residue is found in multiple mammalian species, which suggests that this missense change does not adversely affect protein function. In summary, the available evidence is currently insufficient to determine the role of this variant in disease. Therefore, it has been classified as a Variant of Uncertain Significance.

NM_014629.4(ARHGEF10):c.319A>G (p.Thr107Ala)

Gene: ARHGEF10 (Rho guanine nucleotide exchange factor 10; plus strand). Cytogenetic location: 8p23.3.
Variant type: single nucleotide variant.
Coding change: c.319A>G on transcript NM_014629.4 (MANE Select); coding-DNA position 319, A replaced by G.
Protein change: p.Thr107Ala; replaces threonine 107 with alanine.
Molecular consequence: missense variant.
Genome position (GRCh38, 1-based): chr8:1,860,022, A>G. VCF-style: chr8-1860022-A-G. GRCh37 (hg19) VCF-style: chr8-1808188-A-G.
Other names: c.319A>G, p.Thr107Ala (NM_001308152.2, NM_001308153.3); short protein forms T107A, T131A.
Identifiers: ClinVar variation 3710596 (VCV003710596.2).